The following is an entry in ClinVar:

NM_001171.6(ABCC6):c.3578G>A (p.Ser1193Asn)

Gene: ABCC6 (ATP binding cassette subfamily C member 6; minus strand). Cytogenetic location: 16p13.11.
Variant type: single nucleotide variant.
Coding change: c.3578G>A on transcript NM_001171.6 (MANE Select); coding-DNA position 3578, G replaced by A.
Protein change: p.Ser1193Asn; replaces serine 1193 with asparagine.
Molecular consequence: missense variant. On other transcripts: non-coding transcript variant (1).
Genome position (GRCh38, 1-based): chr16:16,161,493, C>T on the plus strand (G>A on the coding strand, the complement: ABCC6 is on the minus strand). VCF-style: chr16-16161493-C-T. GRCh37 (hg19) VCF-style: chr16-16255350-C-T.
Other names: c.3236G>A, p.Ser1079Asn (NM_001351800.1); short protein forms S1079N, S1193N.
Identifiers: ClinVar variation 1501325 (VCV001501325.8), dbSNP rs2152221984, ClinGen allele CA394879885.

ClinVar aggregate classification (germline): Uncertain significance (1 of 4 stars; one submission).

Submission:

Labcorp Genetics (formerly Invitae), Labcorp
Classification: Uncertain significance. Last evaluated: 2025-03-17. Review status: criteria provided, single submitter. Criteria: Invitae Variant Classification Sherloc (09022015). Collection method: clinical testing. Allele origin: germline.
Comment: This sequence change replaces serine, which is neutral and polar, with asparagine, which is neutral and polar, at codon 1193 of the ABCC6 protein (p.Ser1193Asn). This variant is not present in population databases (gnomAD no frequency). This variant has not been reported in the literature in individuals affected with ABCC6-related conditions. ClinVar contains an entry for this variant (Variation ID: 1501325). Invitae Evidence Modeling of protein sequence and biophysical properties (such as structural, functional, and spatial information, amino acid conservation, physicochemical variation, residue mobility, and thermodynamic stability) indicates that this missense variant is not expected to disrupt ABCC6 protein function with a negative predictive value of 95%. In summary, the available evidence is currently insufficient to determine the role of this variant in disease. Therefore, it has been classified as a Variant of Uncertain Significance.